The following is an entry in ClinVar:

ClinVar aggregate classification (germline): Uncertain significance (1 of 4 stars; one submission).

Allele frequency attached by ClinVar (database versions not stated): gnomAD exomes 0.00002.
gnomAD v4.1: 22 of 1,613,546 alleles (0.0014%); highest among the groups gnomAD compares: Non-Finnish European, 0.0019%; no homozygotes.

Submission:

Labcorp Genetics (formerly Invitae), Labcorp
Classification: Uncertain significance. Last evaluated: 2024-11-05. Review status: criteria provided, single submitter. Criteria: Invitae Variant Classification Sherloc (09022015). Collection method: clinical testing. Allele origin: germline.
Comment: This sequence change replaces alanine, which is neutral and non-polar, with threonine, which is neutral and polar, at codon 2053 of the NBAS protein (p.Ala2053Thr). This variant is not present in population databases (gnomAD no frequency). This variant has not been reported in the literature in individuals affected with NBAS-related conditions. ClinVar contains an entry for this variant (Variation ID: 2010817). Invitae Evidence Modeling of protein sequence and biophysical properties (such as structural, functional, and spatial information, amino acid conservation, physicochemical variation, residue mobility, and thermodynamic stability) indicates that this missense variant is not expected to disrupt NBAS protein function with a negative predictive value of 95%. In summary, the available evidence is currently insufficient to determine the role of this variant in disease. Therefore, it has been classified as a Variant of Uncertain Significance.

NM_015909.4(NBAS):c.6157G>A (p.Ala2053Thr)

Gene: NBAS (NBAS subunit of NRZ tethering complex; minus strand). Cytogenetic location: 2p24.3.
Variant type: single nucleotide variant.
Coding change: c.6157G>A on transcript NM_015909.4 (MANE Select); coding-DNA position 6157, G replaced by A.
Protein change: p.Ala2053Thr; replaces alanine 2053 with threonine.
Molecular consequence: missense variant. On other transcripts: non-coding transcript variant (1).
Genome position (GRCh38, 1-based): chr2:15,232,501, C>T on the plus strand (G>A on the coding strand, the complement: NBAS is on the minus strand). VCF-style: chr2-15232501-C-T. GRCh37 (hg19) VCF-style: chr2-15372625-C-T.
Other names: short protein forms A2053T.
Identifiers: ClinVar variation 2010817 (VCV002010817.3), dbSNP rs2528253205, ClinGen allele CA345887568.
Genomic context (GRCh38, chr2:15,232,501, plus strand): 5'-GGACTGCTGCAACAACACCTTCCAGGACCTTCAGTGGGTCCCTTGGCCCACCAAGGTCAG[C>T]ACTGCCACCACTGTGAAAAGAGAGATAAACTGATTCAGAAAAGGATCACTCAAGTCTCAG-3'
Protein context (NP_056993.2, residues 2043-2063): KIISALSGGS[Ala2053Thr]DLGGPRDPLK